The following is an entry in ClinVar:

NM_000051.4(ATM):c.5243G>T (p.Ser1748Ile)

Gene: ATM (ATM serine/threonine kinase; plus strand). Cytogenetic location: 11q22.3.
Variant type: single nucleotide variant.
Coding change: c.5243G>T on transcript NM_000051.4 (MANE Select); coding-DNA position 5243, G replaced by T.
Protein change: p.Ser1748Ile; replaces serine 1748 with isoleucine.
Molecular consequence: missense variant.
Genome position (GRCh38, 1-based): chr11:108,301,713, G>T. VCF-style: chr11-108301713-G-T. GRCh37 (hg19) VCF-style: chr11-108172440-G-T.
Other names: c.5243G>T, p.Ser1748Ile (NM_001351834.2); short protein forms S1748I.
Identifiers: ClinVar variation 2764532 (VCV002764532.3), dbSNP rs2135913456, ClinGen allele CA382542426.

ClinVar aggregate classification (germline): Uncertain significance (1 of 4 stars; one submission).

Conditions:
Ataxia-telangiectasia syndrome (AT). Also called: Ataxia-telangiectasia, complementation group D; LOUIS-BAR SYNDROME; ATAXIA-TELANGIECTASIA, COMPLEMENTATION GROUP A; ATAXIA-TELANGIECTASIA, FRESNO VARIANT; Ataxia telangiectasia (A-T); Cerebello-oculocutaneous telangiectasia. Identifiers: Orphanet 100, MedGen C0004135, MONDO:0008840, OMIM 208900.

Allele frequency attached by ClinVar (database versions not stated): gnomAD exomes below 0.00001.
gnomAD v4.1: 4 of 1,613,736 alleles (0.00025%); highest among the groups gnomAD compares: Non-Finnish European, 0.00025%; no homozygotes.

Submission:

Labcorp Genetics (formerly Invitae), Labcorp
Classification: Uncertain significance for Ataxia-telangiectasia syndrome. Last evaluated: 2026-01-20. Review status: criteria provided, single submitter. Criteria: Invitae Variant Classification Sherloc (09022015). Collection method: clinical testing. Allele origin: germline.
Comment: This sequence change replaces serine, which is neutral and polar, with isoleucine, which is neutral and non-polar, at codon 1748 of the ATM protein (p.Ser1748Ile). This variant is not present in population databases (gnomAD no frequency). This variant has not been reported in the literature in individuals affected with ATM-related conditions. ClinVar contains an entry for this variant (Variation ID: 2764532). Invitae Evidence Modeling of protein sequence and biophysical properties (such as structural, functional, and spatial information, amino acid conservation, physicochemical variation, residue mobility, and thermodynamic stability) indicates that this missense variant is not expected to disrupt ATM protein function with a negative predictive value of 95%. In summary, the available evidence is currently insufficient to determine the role of this variant in disease. Therefore, it has been classified as a Variant of Uncertain Significance.